The following is an entry in ClinVar:

NM_152743.4(BRAT1):c.1862G>A (p.Arg621Gln)

Gene: BRAT1 (BRCA1 associated ATM activator 1; minus strand). Cytogenetic location: 7p22.3.
Variant type: single nucleotide variant.
Coding change: c.1862G>A on transcript NM_152743.4 (MANE Select); coding-DNA position 1862, G replaced by A.
Protein change: p.Arg621Gln; replaces arginine 621 with glutamine.
Molecular consequence: missense variant. On other transcripts: non-coding transcript variant (1).
Genome position (GRCh38, 1-based): chr7:2,538,673, C>T on the plus strand (G>A on the coding strand, the complement: BRAT1 is on the minus strand). VCF-style: chr7-2538673-C-T. GRCh37 (hg19) VCF-style: chr7-2578307-C-T.
Other names: c.2042G>A, p.Arg681Gln (NM_001350626.2); c.1337G>A, p.Arg446Gln (NM_001350627.2); short protein forms R621Q, R446Q, R681Q.
Identifiers: ClinVar variation 540188 (VCV000540188.57), dbSNP rs138077616, ClinGen allele CA4127539.

ClinVar aggregate classification (germline): Benign/Likely benign. Review status: criteria provided, multiple submitters, no conflicts (2 of 4 stars). 5 submissions from 5 submitters: Benign (3); Likely benign (1). 1 of the submissions does not count toward it. Last evaluated 2026-03-01.

Conditions:
BRAT1-related disorder. Also called: BRAT1-related disorders; BRAT1-related condition.
Neonatal-onset encephalopathy with rigidity and seizures. Also called: Lethal neonatal spasticity-epileptic encephalopathy syndrome. Identifiers: Orphanet 435845, MedGen C3281029, MONDO:0013784, OMIM 614498.

Allele frequency attached by ClinVar (database versions not stated): 1000 Genomes Project 30x 0.00062; 1000 Genomes Project 0.00080; ESP Exome Variant Server 0.00148; TOPMed 0.00155; gnomAD 0.00198; gnomAD exomes 0.00205; ExAC 0.00219.
gnomAD v4.1: 3,855 of 1,598,336 alleles (0.24%); highest among the groups gnomAD compares: South Asian, 0.55%; 18 homozygotes.

Submissions (5):

CeGaT Center for Human Genetics Tuebingen
Classification: Likely benign. Last evaluated: 2026-03-01. Review status: criteria provided, single submitter. Criteria: CeGaT Center For Human Genetics Tuebingen Variant Classification Criteria Version 2. Collection method: clinical testing. Allele origin: germline. Affected: yes. Observed: 16 variant alleles.
Comment: BRAT1: BP4, BS2

Labcorp Genetics (formerly Invitae), Labcorp
Classification: Benign for Neonatal-onset encephalopathy with rigidity and seizures. Last evaluated: 2026-01-19. Review status: criteria provided, single submitter. Criteria: Invitae Variant Classification Sherloc (09022015). Collection method: clinical testing. Allele origin: germline.

Athena Diagnostics
Classification: Benign. Last evaluated: 2024-09-16. Review status: criteria provided, single submitter. Criteria: Athena Diagnostics Criteria. Collection method: clinical testing. Allele origin: unknown.

GeneDx
Classification: Benign. Last evaluated: 2018-09-10. Review status: criteria provided, single submitter. Criteria: GeneDx Variant Classification Process June 2021. Collection method: clinical testing. Allele origin: germline. Affected: yes.

PreventionGenetics, part of Exact Sciences
Classification: Likely benign for BRAT1-related condition. Last evaluated: 2019-11-13. Review status: no assertion criteria provided. Collection method: clinical testing. Allele origin: germline. Not counted in ClinVar's aggregate classification.
Comment: This variant is classified as likely benign based on ACMG/AMP sequence variant interpretation guidelines (Richards et al. 2015 PMID: 25741868, with internal and published modifications).

Literature cited by the submitters: PubMed 29590070 (cited by Athena Diagnostics).